The following is an entry in ClinVar:

ClinVar aggregate classification (germline): Pathogenic/Likely pathogenic. Review status: criteria provided, multiple submitters, no conflicts (2 of 4 stars). 3 submissions from 3 submitters: Pathogenic (1); Likely pathogenic (1). 1 of the submissions does not count toward it. Last evaluated 2025-11-04.

Conditions:
Oculocutaneous albinism type 1A (OCA1A). Also called: Albinism, oculocutaneous, type IA. Identifiers: Orphanet 352731, Orphanet 79431, MedGen C4551504, MONDO:0008745, OMIM 203100. Disease mechanism: loss of function.
Oculocutaneous albinism type 1B (OCA1B). Also called: ALBINISM, OCULOCUTANEOUS, TYPE IB; ALBINISM, YELLOW MUTANT TYPE; YELLOW ALBINISM. Identifiers: Orphanet 352731, Orphanet 352737, Orphanet 79434, MedGen C1847024, MONDO:0011749, OMIM 606952.

Allele frequency attached by ClinVar (database versions not stated): gnomAD exomes below 0.00001.
gnomAD v4.1: 2 of 1,614,050 alleles (0.00012%); highest among the groups gnomAD compares: Non-Finnish European, 0.000085%; no homozygotes.

Submissions (3):

Labcorp Genetics (formerly Invitae), Labcorp
Classification: Pathogenic. Last evaluated: 2025-11-04. Review status: criteria provided, single submitter. Criteria: Invitae Variant Classification Sherloc (09022015). Collection method: clinical testing. Allele origin: germline.
Comment: This sequence change replaces cysteine, which is neutral and slightly polar, with arginine, which is basic and polar, at codon 247 of the TYR protein (p.Cys247Arg). This variant is not present in population databases (gnomAD no frequency). This missense change has been observed in individual(s) with clinical features of oculocutaneous albinism (PMID: 25455140, 34838614; internal data). In at least one individual the data is consistent with being in trans (on the opposite chromosome) from a pathogenic variant. ClinVar contains an entry for this variant (Variation ID: 144106). Invitae Evidence Modeling of protein sequence and biophysical properties (such as structural, functional, and spatial information, amino acid conservation, physicochemical variation, residue mobility, and thermodynamic stability) indicates that this missense variant is expected to disrupt TYR protein function with a positive predictive value of 95%. For these reasons, this variant has been classified as Pathogenic.

Genetic Services Laboratory, University of Chicago
Classification: Likely pathogenic for Albinism, oculocutaneous, type IA. Last evaluated: 2016-03-30. Review status: criteria provided, single submitter. Criteria: ACMG Guidelines, 2015. Collection method: clinical testing. Allele origin: germline. Affected: yes.

Laboratorio de Genetica Humana; Universidad de los Andes
No classification provided. Condition: Oculocutaneous albinism type 1A; Oculocutaneous albinism type 1B. Review status: no classification provided. Collection method: not provided. Allele origin: unknown. Not counted in ClinVar's aggregate classification.
Comment: It was found in two individuals in heterozygous state. Both also had the variant R402Q. One of them had partial albinism.
ClinVar note: Converted during submission from untested to not provided.

Literature cited by the submitters: PubMed 25455140 (cited by Labcorp Genetics (formerly Invitae), Labcorp); PubMed 34838614 (cited by Labcorp Genetics (formerly Invitae), Labcorp).

NM_000372.5(TYR):c.739T>C (p.Cys247Arg)

Gene: TYR (tyrosinase; plus strand). Cytogenetic location: 11q14.3.
Variant type: single nucleotide variant.
Coding change: c.739T>C on transcript NM_000372.5 (MANE Select); coding-DNA position 739, T replaced by C.
Protein change: p.Cys247Arg; replaces cysteine 247 with arginine.
Molecular consequence: missense variant.
Genome position (GRCh38, 1-based): chr11:89,178,692, T>C. VCF-style: chr11-89178692-T-C. GRCh37 (hg19) VCF-style: chr11-88911860-T-C.
Other names: short protein forms C247R.
Identifiers: ClinVar variation 144106 (VCV000144106.14), dbSNP rs367543068, ClinGen allele CA270638.